The following is an entry in ClinVar:

NM_001365951.3(KIF1B):c.*839C>T

Gene: KIF1B (kinesin family member 1B; plus strand). Cytogenetic location: 1p36.22.
Variant type: single nucleotide variant.
Coding change: c.*839C>T on transcript NM_001365951.3 (MANE Select); 839 bases downstream of the stop codon, C replaced by T.
Molecular consequence: 3 prime UTR variant.
Genome position (GRCh38, 1-based): chr1:10,377,426, C>T. VCF-style: chr1-10377426-C-T. GRCh37 (hg19) VCF-style: chr1-10437484-C-T.
Other names: c.*839C>T (NM_001365952.1, NM_015074.3).
Identifiers: ClinVar variation 291601 (VCV000291601.29), dbSNP rs549614550, ClinGen allele CA10607340.

ClinVar aggregate classification (germline): Conflicting classifications of pathogenicity. Review status: criteria provided, conflicting classifications (1 of 4 stars). 2 submissions from 2 submitters: Uncertain significance (1); Benign (1). Last evaluated 2022-11-01.

Conditions:
Neuroblastoma (NB). Identifiers: Orphanet 635, MedGen C0027819, MeSH D009447, MONDO:0005072, HP:0003006.

Allele frequency attached by ClinVar (database versions not stated): gnomAD exomes 0.00117; gnomAD 0.00121 and 0.00127; TOPMed 0.00125.
gnomAD v4.1: 271 of 226,986 alleles (0.12%); highest among the groups gnomAD compares: Middle Eastern, 0.4%; no homozygotes.

Submissions (2):

CeGaT Center for Human Genetics Tuebingen
Classification: Benign. Last evaluated: 2022-11-01. Review status: criteria provided, single submitter. Criteria: CeGaT Center For Human Genetics Tuebingen Variant Classification Criteria Version 2. Collection method: clinical testing. Allele origin: germline. Affected: yes. Observed: 2 variant alleles.
Comment: KIF1B: BS1, BS2

Illumina Laboratory Services, Illumina
Classification: Uncertain significance for Neuroblastoma. Last evaluated: 2018-01-13. Review status: criteria provided, single submitter. Criteria: ICSL Variant Classification Criteria 13 December 2019. Collection method: clinical testing. Allele origin: germline.